The following is an entry in ClinVar:

ClinVar aggregate classification (germline): Pathogenic (1 of 4 stars; one submission).

Submission:

CeGaT Center for Human Genetics Tuebingen
Classification: Pathogenic. Last evaluated: 2022-12-01. Review status: criteria provided, single submitter. Criteria: CeGaT Center For Human Genetics Tuebingen Variant Classification Criteria Version 2. Collection method: clinical testing. Allele origin: germline. Affected: yes. Observed: 1 variant allele.
Comment: SCN1A: PVS1, PM2

NM_001165963.4(SCN1A):c.5115del (p.Phe1705fs)

Genes: SCN1A (sodium voltage-gated channel alpha subunit 1; minus strand), LOC102724058 (uncharacterized LOC102724058; plus strand). Cytogenetic location: 2q24.3.
Variant type: Deletion.
Coding change: c.5115del on transcript NM_001165963.4 (MANE Select); coding-DNA position 5115, one base deleted (C; older notation c.5115delC).
Protein change: p.Phe1705fs; shifts the reading frame from phenylalanine 1705.
Molecular consequence: frameshift variant. On other transcripts: non-coding transcript variant (1).
Genome position (GRCh38, 1-based): chr2:165,992,160, G deleted on the plus strand (C on the coding strand, the reverse complement: SCN1A is on the minus strand). VCF-style (leftmost placement, unchanged base first): chr2-165992159-TG-T. GRCh37 (hg19) VCF-style: chr2-166848669-TG-T.
Other names: c.5031del, p.Phe1677fs (NM_001165964.3, NM_001353957.2, NM_001353958.2); c.5115del, p.Phe1705fs (NM_001202435.3, NM_001353948.2); c.5082del, p.Phe1694fs (NM_001353949.2, NM_001353950.2, NM_001353951.2 and 2 more transcripts); c.5079del, p.Phe1693fs (NM_001353954.2, NM_001353955.2); c.5028del, p.Phe1676fs (NM_001353960.2); c.2673del, p.Phe891fs (NM_001353961.2); short protein forms F1676fs, F1677fs, F1693fs, F1694fs, F1705fs, F891fs.
Identifiers: ClinVar variation 1879490 (VCV001879490.29), dbSNP rs2468337352, ClinGen allele CA2580064425.
Genomic context (GRCh38, chr2:165,992,159, plus strand): 5'-AGCCAGCAGAGGTTGTAATTTGGAATAGGCAGATCATGCTGTTGCCAAAGGTCTCAAAGT[TG>T]AACATGTCATCGATCCCAACTTCCCTCTTAACATAGGCAAAGTTGGACATCCCAAAGATG-3'